The following is an entry in ClinVar:

NM_130839.5(UBE3A):c.2499-31T>G

Genes: UBE3A (ubiquitin protein ligase E3A; minus strand), SNHG14 (small nucleolar RNA host gene 14; plus strand). Cytogenetic location: 15q11.2.
Variant type: single nucleotide variant.
Coding change: c.2499-31T>G on transcript NM_130839.5 (MANE Select); 31 bases into the intron before coding-DNA position 2499, T replaced by G.
Molecular consequence: intron variant.
Genome position (GRCh38, 1-based): chr15:25,339,288, A>C on the plus strand (T>G on the coding strand, the complement: UBE3A is on the minus strand). VCF-style: chr15-25339288-A-C. GRCh37 (hg19) VCF-style: chr15-25584435-A-C.
Other names: c.2322-31T>G (NM_001354546.2); c.1188-31T>G (NM_001354551.2); c.2274-31T>G (NM_001354549.2); c.2283-31T>G (NM_001354548.2, NM_001354547.2); c.2439-31T>G (NM_130838.4, NM_001354542.2, NM_001354523.2 and 14 more transcripts); c.1248-31T>G (NM_001354550.2); c.2343-31T>G (NM_001354545.2); c.2499-31T>G (NM_001354538.2, NM_001354505.1); and 1 more.
Identifiers: ClinVar variation 156126 (VCV000156126.1), dbSNP rs587782912, ClinGen allele CA333417.

ClinVar aggregate classification (germline): Uncertain significance (0 of 4 stars; one submission).

Conditions:
Angelman syndrome (AS). Also called: HAPPY PUPPET SYNDROME. Identifiers: Orphanet 72, MedGen C0162635, MONDO:0007113, OMIM 105830. Disease mechanism: loss of function. Inheritance: AS is caused by disruption of maternally imprinted UBE3A located within the 15q11.2-q13 Angelman syndrome/Prader-Willi syndrome (AS/PWS) region., imprinting disorder.

Allele frequency attached by ClinVar (database versions not stated): gnomAD exomes below 0.00001.
gnomAD v4.1: 1 of 1,608,020 alleles (0.000062%); highest among the groups gnomAD compares: African/African-American, 0.0013%; no homozygotes.

Submission:

Baylor Genetics
Classification: Uncertain significance for Angelman syndrome. Last evaluated: 2014-02-14. Review status: no assertion criteria provided. Collection method: clinical testing. Allele origin: maternal. Affected: yes. Observed: 2 variant alleles. Study: UBE3A Mutation Study.
Comment: possible diagnosis of Angelman syndrome

Data collected from clinical UBE3A sequence analysis results

Literature cited by the submitters: PubMed 25212744.